The following is an entry in ClinVar:

NM_015338.6(ASXL1):c.2599G>T (p.Gly867Trp)

Gene: ASXL1 (ASXL transcriptional regulator 1; plus strand). Cytogenetic location: 20q11.21.
Variant type: single nucleotide variant.
Coding change: c.2599G>T on transcript NM_015338.6 (MANE Select); coding-DNA position 2599, G replaced by T.
Protein change: p.Gly867Trp; replaces glycine 867 with tryptophan.
Molecular consequence: missense variant.
Genome position (GRCh38, 1-based): chr20:32,435,311, G>T. VCF-style: chr20-32435311-G-T. GRCh37 (hg19) VCF-style: chr20-31023114-G-T.
Other names: c.2416G>T, p.Gly806Trp (NM_001363734.1); short protein forms G867W, G806W.
Identifiers: ClinVar variation 4587211 (VCV004587211.1).

ClinVar aggregate classification (germline): Uncertain significance (1 of 4 stars; one submission).

Conditions:
Inborn genetic diseases. Identifiers: MedGen C0950123, MeSH D030342.

Submission:

Ambry Genetics
Classification: Uncertain significance for Inborn genetic diseases. Last evaluated: 2025-09-20. Review status: criteria provided, single submitter. Criteria: Ambry Variant Classification Scheme 2023. Collection method: clinical testing. Allele origin: germline.
Comment: The p.G867W variant (also known as c.2599G>T), located in coding exon 13 of the ASXL1 gene, results from a G to T substitution at nucleotide position 2599. The glycine at codon 867 is replaced by tryptophan, an amino acid with highly dissimilar properties. This amino acid position is conserved. In addition, this alteration is predicted to be tolerated by in silico analysis. Based on the available evidence, the clinical significance of this variant remains unclear.